The following is an entry in ClinVar:

NC_000023.10:g.(32563452_32583818)_(32663270_32715986)del

Gene: DMD (dystrophin; minus strand). Cytogenetic location: Xp21.1.
Variant type: Deletion.
Identifiers: ClinVar variation 4848903 (VCV004848903.1).

ClinVar aggregate classification (germline): Pathogenic (1 of 4 stars; one submission).

Conditions:
Neuromuscular disease caused by qualitative or quantitative defects of dystrophin. Also called: Qualitative or quantitative defects of dystrophin. Identifiers: Orphanet 207085, MedGen C5679787, MONDO:0016147.

Submission:

Women's Health and Genetics/Laboratory Corporation of America, LabCorp
Classification: Pathogenic for Neuromuscular disease caused by qualitative or quantitative defects of dystrophin. Last evaluated: 2026-04-03. Review status: criteria provided, single submitter. Criteria: LabCorp Variant Classification Summary - May 2015. Collection method: clinical testing. Allele origin: germline.
Comment: Variant summary: The variant involves the deletion of exons 10-16 in the DMD gene. A presumed nomenclature of c.(960+1_961-1)_(1992+1_1993-1)del has been designated for the purposes of this classification. This Copy Number Variant (CNV) is predicted to result in an in-frame deletion within this gene. Loss-of-function variants in this gene are known to be pathogenic. The variant was absent in 15814 control chromosomes. c.(960+1_961-1)_(1992+1_1993-1)del has been observed in individuals affected with Dystrophinopathies, primarily Becker Muscular Dystrophy (e.g. Norman_1990, Nicolas_2012, Brison_2019). These data indicate that the variant is likely associated with disease. To our knowledge, no experimental evidence demonstrating an impact on protein function has been reported. However, at least one variant contained within the deleted region has been classified as pathogenic by our lab, providing evidence that the region altered by the variant is critical to protein function. The following publications have been ascertained in the context of this evaluation (PMID: 31197268, 22776072, 2325103). ClinVar contains an entry for this variant (Variation ID: 2424880). Based on the evidence outlined above, the variant was classified as pathogenic.

Literature cited by the submitters: PubMed 22776072; PubMed 31197268; PubMed 2325103.